The following is an entry in ClinVar:

NM_002473.6(MYH9):c.2256T>C (p.Asn752=)

Gene: MYH9 (myosin heavy chain 9; minus strand). Cytogenetic location: 22q12.3.
Variant type: single nucleotide variant.
Coding change: c.2256T>C on transcript NM_002473.6 (MANE Select); coding-DNA position 2256, T replaced by C.
Protein change: p.Asn752=; no amino-acid change (asparagine 752 retained).
Molecular consequence: synonymous variant.
Genome position (GRCh38, 1-based): chr22:36,304,129, A>G on the plus strand (T>C on the coding strand, the complement: MYH9 is on the minus strand). VCF-style: chr22-36304129-A-G. GRCh37 (hg19) VCF-style: chr22-36700175-A-G.
Other names: p.Asn752=; c.2256T>C (NM_002473.5).
Identifiers: ClinVar variation 44555 (VCV000044555.22), dbSNP rs9619601, ClinGen allele CA134519.
Genomic context (GRCh38, chr22:36,304,129, plus strand): 5'-CTCCAGGTGGGCCAGCACACCGGCACGGAAGAAGACTTTGCTCTGGCCAATGCGGTACAG[A>G]TTGCTGTCGAGCTCCAGGGCTTTTATCTAGGTGGGAGGAGCAGGCCGTTTACCTGGCCAG-3'
Protein context (NP_002464.1, residues 742-762): LMIKALELDS[Asn752=]LYRIGQSKVF

ClinVar aggregate classification (germline): Benign/Likely benign. Review status: criteria provided, multiple submitters, no conflicts (2 of 4 stars). 10 submissions from 9 submitters: Benign (9); Likely benign (1). Last evaluated 2026-02-02.

Conditions:
MYH9-related disorder. Identifiers: MedGen C1854520.
Autosomal dominant nonsyndromic hearing loss 17. Also called: Deafness, autosomal dominant 17; Autosomal dominant nonsyndromic deafness 17. Identifiers: Orphanet 90635, MedGen C1863659, MONDO:0011350, OMIM 603622.

Allele frequency attached by ClinVar (database versions not stated): TOPMed 0.04393; ESP Exome Variant Server 0.04483; gnomAD 0.04672 and 0.04794; gnomAD exomes 0.05334 and 0.05338; ExAC 0.05448; 1000 Genomes Project 30x 0.05653; 1000 Genomes Project 0.06030.
gnomAD v4.1: 85,233 of 1,613,526 alleles (5.3%); highest among the groups gnomAD compares: East Asian, 9.9%; 2,449 homozygotes.

Submissions (10):

Labcorp Genetics (formerly Invitae), Labcorp
Classification: Benign. Last evaluated: 2026-02-02. Review status: criteria provided, single submitter. Criteria: Invitae Variant Classification Sherloc (09022015). Collection method: clinical testing. Allele origin: germline.

ARUP Laboratories, Molecular Genetics and Genomics, ARUP Laboratories
Classification: Benign. Last evaluated: 2025-07-28. Review status: criteria provided, single submitter. Criteria: ARUP Molecular Germline Variant Investigation Process 2024. Collection method: clinical testing. Allele origin: germline.

Blueprint Genetics
Classification: Likely benign. Last evaluated: 2024-11-28. Review status: criteria provided, single submitter. Criteria: ACMG Guidelines, 2015. Collection method: clinical testing. Allele origin: germline.

Mayo Clinic Laboratories, Mayo Clinic
Classification: Benign. Last evaluated: 2022-09-29. Review status: criteria provided, single submitter. Criteria: ACMG Guidelines, 2015. Collection method: clinical testing. Allele origin: germline. Observed: 84 variant alleles.

Illumina Laboratory Services, Illumina
Classification: Benign for Autosomal dominant nonsyndromic hearing loss 17. Last evaluated: 2018-01-13. Review status: criteria provided, single submitter. Criteria: ICSL Variant Classification Criteria 13 December 2019. Collection method: clinical testing. Allele origin: germline.
Comment: This variant was observed in the ICSL laboratory as part of a predisposition screen in an ostensibly healthy population. It had not been previously curated by ICSL or reported in the Human Gene Mutation Database (HGMD: prior to June 1st, 2018), and was therefore a candidate for classification through an automated scoring system. Utilizing variant allele frequency, disease prevalence and penetrance estimates, and inheritance mode, an automated score was calculated to assess if this variant is too frequent to cause the disease. Based on the score and internal cut-off values, a variant classified as benign is not then subjected to further curation. The score for this variant resulted in a classification of benign for this disease.

Illumina Laboratory Services, Illumina
Classification: Benign for MYH9-related disorder. Last evaluated: 2018-01-13. Review status: criteria provided, single submitter. Criteria: ICSL Variant Classification Criteria 13 December 2019. Collection method: clinical testing. Allele origin: germline.
Comment: the same text as in the submission from Illumina Laboratory Services, Illumina above.

GeneDx
Classification: Benign. Last evaluated: 2017-08-03. Review status: criteria provided, single submitter. Criteria: GeneDx Variant Classification (06012015). Collection method: clinical testing. Allele origin: germline. Affected: yes.
Comment: This variant is considered likely benign or benign based on one or more of the following criteria: it is a conservative change, it occurs at a poorly conserved position in the protein, it is predicted to be benign by multiple in silico algorithms, and/or has population frequency not consistent with disease.

Laboratory for Molecular Medicine, Mass General Brigham Personalized Medicine
Classification: Benign. Last evaluated: 2012-05-07. Review status: criteria provided, single submitter. Criteria: LMM Criteria. Collection method: clinical testing. Allele origin: germline. Observed: 136 variant alleles.
Comment: "Asn752Asn in Exon 19 of MYH9: This variant is not expected to have clinical sig nificance because it does not alter an amino acid residue, is not located within the splice consensus sequence, and has been identified in 4.6% (322/7020) of Eu ropean American chromosomes from a broad population by the NHLBI Exome Sequencin g Project (dbSNP rs9619601)."

Breakthrough Genomics
Classification: Benign. Review status: criteria provided, single submitter. Criteria: ACMG Guidelines, 2015. Collection method: not provided. Allele origin: germline. Inheritance: Autosomal dominant inheritance. Affected: yes.

PreventionGenetics, part of Exact Sciences
Classification: Benign. Review status: criteria provided, single submitter. Criteria: ACMG Guidelines, 2015. Collection method: clinical testing. Allele origin: germline.